The following is an entry in ClinVar:

NM_004186.5(SEMA3F):c.228C>T (p.Tyr76=)

Gene: SEMA3F (semaphorin 3F; plus strand). Cytogenetic location: 3p21.31.
Variant type: single nucleotide variant.
Coding change: c.228C>T on transcript NM_004186.5 (MANE Select); coding-DNA position 228, C replaced by T.
Protein change: p.Tyr76=; no amino-acid change (tyrosine 76 retained).
Molecular consequence: synonymous variant.
Genome position (GRCh38, 1-based): chr3:50,173,908, C>T. VCF-style: chr3-50173908-C-T. GRCh37 (hg19) VCF-style: chr3-50211341-C-T.
Other names: c.24C>T, p.Tyr8= (NM_001318798.2); c.228C>T, p.Tyr76= (NM_001318800.2).
Identifiers: ClinVar variation 3054869 (VCV003054869.2), dbSNP rs757048607, ClinGen allele CA2411666.

ClinVar aggregate classification (germline): Likely benign (0 of 4 stars; one submission).

Conditions:
SEMA3F-related disorder. Also called: SEMA3F-related condition.

Allele frequency attached by ClinVar (database versions not stated): gnomAD exomes 0.00002; gnomAD 0.00003; ExAC 0.00006.
gnomAD v4.1: 38 of 1,614,046 alleles (0.0024%); highest among the groups gnomAD compares: South Asian, 0.025%; no homozygotes.

Submission:

PreventionGenetics, part of Exact Sciences
Classification: Likely benign for SEMA3F-related condition. Last evaluated: 2022-07-10. Review status: no assertion criteria provided. Collection method: clinical testing. Allele origin: germline.
Comment: This variant is classified as likely benign based on ACMG/AMP sequence variant interpretation guidelines (Richards et al. 2015 PMID: 25741868, with internal and published modifications).